The following is an entry in ClinVar:

NM_033343.4(LHX4):c.178T>A (p.Cys60Ser)

Gene: LHX4 (LIM homeobox 4; plus strand). Cytogenetic location: 1q25.2.
Variant type: single nucleotide variant.
Coding change: c.178T>A on transcript NM_033343.4 (MANE Select); coding-DNA position 178, T replaced by A.
Protein change: p.Cys60Ser; replaces cysteine 60 with serine.
Molecular consequence: missense variant.
Genome position (GRCh38, 1-based): chr1:180,248,386, T>A. VCF-style: chr1-180248386-T-A. GRCh37 (hg19) VCF-style: chr1-180217521-T-A.
Other names: short protein forms C60S.
Identifiers: ClinVar variation 4070812 (VCV004070812.1).

ClinVar aggregate classification (germline): Uncertain significance (1 of 4 stars; one submission).

Submission:

GeneDx
Classification: Uncertain significance. Last evaluated: 2025-01-15. Review status: criteria provided, single submitter. Criteria: GeneDx Variant Classification Process June 2021. Collection method: clinical testing. Allele origin: germline. Affected: yes.
Comment: Not observed at significant frequency in large population cohorts (gnomAD); In silico analysis supports that this missense variant has a deleterious effect on protein structure/function; Has not been previously published as pathogenic or benign to our knowledge